The following is an entry in ClinVar:

NM_000059.4(BRCA2):c.*382del

Gene: BRCA2 (BRCA2 DNA repair associated; plus strand). Cytogenetic location: 13q13.1.
Variant type: Deletion.
Coding change: c.*382del on transcript NM_000059.4 (MANE Select); 382 bases downstream of the stop codon, one base deleted (A; older notation c.*382delA).
Molecular consequence: 3 prime UTR variant.
Genome position (GRCh38, 1-based): chr13:32,399,152, A deleted; the last of 10 consecutive A bases (chr13:32,399,143-32,399,152); deleting any one gives the same sequence. VCF-style (leftmost placement, unchanged base first): chr13-32399142-GA-G. GRCh37 (hg19) VCF-style: chr13-32973279-GA-G.
Other names: 10858 del.
Identifiers: ClinVar variation 209925 (VCV000209925.1), dbSNP rs200528973, ClinGen allele CA276892.

ClinVar aggregate classification (germline): Benign (3 of 4 stars; one submission).

Conditions:
Breast-ovarian cancer, familial, susceptibility to, 2 (BROVCA2). Also called: BRCA2 Hereditary Breast and Ovarian Cancer. Identifiers: Orphanet 145, MedGen C2675520, MONDO:0012933, OMIM 612555. Disease mechanism: loss of function.

Submission:

Evidence-based Network for the Interpretation of Germline Mutant Alleles (ENIGMA)
Classification: Benign for Breast-ovarian cancer, familial 2. Last evaluated: 2015-01-12. Review status: reviewed by expert panel. Criteria: ENIGMA BRCA1/2 Classification Criteria (2015). Collection method: curation. Allele origin: germline.
Comment: Class 1 not pathogenic based on frequency >1% in an outbred sampleset. Frequency 0.03 (Asian), 0.04 (African), 0.02 (European), derived from 1000 genomes (2012-04-30).